The following is an entry in ClinVar:

ClinVar aggregate classification (germline): Uncertain significance (1 of 4 stars; one submission).

Conditions:
Rhizomelic chondrodysplasia punctata type 2 (RCDP2). Also called: DHAPAT DEFICIENCY; Glyceronephosphate O-acyltransferase deficiency; glyceronephosphate O-acyltransferase (GNPAT) deficiency; DIHYDROXYACETONEPHOSPHATE ACYLTRANSFERASE DEFICIENCY; PEROXISOMAL DIHYDROXYACETONEPHOSPHATE ACYLTRANSFERASE DEFICIENCY; Chondrodysplasia punctata, rhizomelic, due to dihydroxyacetonephosphate acyltransferase deficiency. Identifiers: Orphanet 177, Orphanet 309796, MedGen C1857242, MONDO:0100273, OMIM 222765. Disease mechanism: loss of function.

Submission:

Laboratorio de Genetica e Diagnostico Molecular, Hospital Israelita Albert Einstein
Classification: Uncertain significance for Rhizomelic chondrodysplasia punctata type 2. Last evaluated: 2022-08-12. Review status: criteria provided, single submitter. Criteria: ACMG Guidelines, 2015. Collection method: clinical testing. Allele origin: germline. Affected: yes.
Comment: ACMG classification criteria: PM2 moderated, BP4 supporting

NM_014236.4(GNPAT):c.1502T>A (p.Met501Lys)

Gene: GNPAT (glyceronephosphate O-acyltransferase; plus strand). Cytogenetic location: 1q42.2.
Variant type: single nucleotide variant.
Coding change: c.1502T>A on transcript NM_014236.4 (MANE Select); coding-DNA position 1502, T replaced by A.
Protein change: p.Met501Lys; replaces methionine 501 with lysine.
Molecular consequence: missense variant.
Genome position (GRCh38, 1-based): chr1:231,270,980, T>A. VCF-style: chr1-231270980-T-A. GRCh37 (hg19) VCF-style: chr1-231406726-T-A.
Other names: c.1319T>A, p.Met440Lys (NM_001316350.2); short protein forms M440K, M501K.
Identifiers: ClinVar variation 2431636 (VCV002431636.2), dbSNP rs2527037458, ClinGen allele CA345237577.
Genomic context (GRCh38, chr1:231,270,980, plus strand): 5'-ATAGGAACCAGCTGCTCAACATTTTTGTGCGCCCATCCTTAGTAGCAGTAGCATTGCAGA[T>A]GACACCAGGGTTCAGGAAAGGTAATTTTCAGGAATGCAATCTTGACTTTTAGAAGAGGTC-3'
Protein context (NP_055051.1, residues 491-511): RPSLVAVALQ[Met501Lys]TPGFRKEDVY